The following is an entry in ClinVar:

ClinVar aggregate classification (germline): Uncertain significance. Review status: criteria provided, multiple submitters, no conflicts (2 of 4 stars). 2 submissions from 2 submitters: Uncertain significance (2). Last evaluated 2025-09-01.

Conditions:
Hereditary cancer-predisposing syndrome. Also called: Neoplastic Syndromes, Hereditary; Tumor predisposition; Hereditary Cancer Syndrome; Hereditary neoplastic syndrome. Identifiers: Orphanet 140162, MedGen C0027672, MeSH D009386, MONDO:0015356.
Tumor predisposition syndrome 3 (TPDS3). Also called: Glioma susceptibility 9; LONG TELOMERE SYNDROME, POT1-RELATED; POT1 Tumor Predisposition; Melanoma, cutaneous malignant, susceptibility to, 10. Identifiers: Orphanet 618, MedGen C4014476, MONDO:0014368, OMIM 615848.

Allele frequency attached by ClinVar (database versions not stated): gnomAD exomes 0.00001; ExAC 0.00002.
gnomAD v4.1: 8 of 1,610,488 alleles (0.0005%); highest among the groups gnomAD compares: South Asian, 0.0088%; no homozygotes.

Submissions (2):

Labcorp Genetics (formerly Invitae), Labcorp
Classification: Uncertain significance for Tumor predisposition syndrome 3. Last evaluated: 2025-09-01. Review status: criteria provided, single submitter. Criteria: Invitae Variant Classification Sherloc (09022015). Collection method: clinical testing. Allele origin: germline.
Comment: This sequence change replaces serine, which is neutral and polar, with leucine, which is neutral and non-polar, at codon 309 of the POT1 protein (p.Ser309Leu). This variant is present in population databases (rs746091720, gnomAD 0.007%). This variant has not been reported in the literature in individuals affected with POT1-related conditions. ClinVar contains an entry for this variant (Variation ID: 3226695). Invitae Evidence Modeling of protein sequence and biophysical properties (such as structural, functional, and spatial information, amino acid conservation, physicochemical variation, residue mobility, and thermodynamic stability) indicates that this missense variant is not expected to disrupt POT1 protein function with a negative predictive value of 80%. In summary, the available evidence is currently insufficient to determine the role of this variant in disease. Therefore, it has been classified as a Variant of Uncertain Significance.

Ambry Genetics
Classification: Uncertain significance for Hereditary cancer-predisposing syndrome. Last evaluated: 2023-09-27. Review status: criteria provided, single submitter. Criteria: Ambry Variant Classification Scheme 2023. Collection method: clinical testing. Allele origin: germline.
Comment: The p.S309L variant (also known as c.926C>T), located in coding exon 7 of the POT1 gene, results from a C to T substitution at nucleotide position 926. The serine at codon 309 is replaced by leucine, an amino acid with dissimilar properties. This amino acid position is conserved. In addition, this alteration is predicted to be tolerated by in silico analysis. Since supporting evidence is limited at this time, the clinical significance of this alteration remains unclear.

NM_015450.3(POT1):c.926C>T (p.Ser309Leu)

Gene: POT1 (protection of telomeres 1; minus strand). Cytogenetic location: 7q31.33.
Variant type: single nucleotide variant.
Coding change: c.926C>T on transcript NM_015450.3 (MANE Select); coding-DNA position 926, C replaced by T.
Protein change: p.Ser309Leu; replaces serine 309 with leucine.
Molecular consequence: missense variant. On other transcripts: non-coding transcript variant (3).
Genome position (GRCh38, 1-based): chr7:124,851,895, G>A on the plus strand (C>T on the coding strand, the complement: POT1 is on the minus strand). VCF-style: chr7-124851895-G-A. GRCh37 (hg19) VCF-style: chr7-124491949-G-A.
Other names: c.533C>T, p.Ser178Leu (NM_001042594.2); short protein forms S178L, S309L.
Identifiers: ClinVar variation 3226695 (VCV003226695.3), dbSNP rs746091720, ClinGen allele CA4465310.
Genomic context (GRCh38, chr7:124,851,895, plus strand): 5'-CAAGAACTAAACTGTCAATGTTAAAGATTATCCTTACTTGGAAAGCTGTCGTCAGGTTCT[G>A]ATTGACAGATAACATCTGAATGCTGATTGGCTGTCAAATTTGCAGATTCTAAATCCCTAT-3'
Protein context (NP_056265.2, residues 299-319): ANQHSDVICQ[Ser309Leu]EPDDSFPSSG